The following is an entry in ClinVar:

NM_004725.4(BUB3):c.181G>C (p.Asp61His)

Gene: BUB3 (BUB3 mitotic checkpoint protein; plus strand). Cytogenetic location: 10q26.13.
Variant type: single nucleotide variant.
Coding change: c.181G>C on transcript NM_004725.4 (MANE Select); coding-DNA position 181, G replaced by C.
Protein change: p.Asp61His; replaces aspartic acid 61 with histidine.
Molecular consequence: missense variant.
Genome position (GRCh38, 1-based): chr10:123,155,098, G>C. VCF-style: chr10-123155098-G-C. GRCh37 (hg19) VCF-style: chr10-124914614-G-C.
Other names: c.181G>C, p.Asp61His (NM_001007793.3); short protein forms D61H.
Identifiers: ClinVar variation 3224493 (VCV003224493.1), dbSNP rs1844333011, ClinGen allele CA378625103.

ClinVar aggregate classification (germline): Uncertain significance (1 of 4 stars; one submission).

Allele frequency attached by ClinVar (database versions not stated): gnomAD exomes below 0.00001; TOPMed below 0.00001.
gnomAD v4.1: 2 of 1,613,888 alleles (0.00012%); highest among the groups gnomAD compares: Non-Finnish European, 0.00017%; no homozygotes.

Submission:

Ambry Genetics
Classification: Uncertain significance. Last evaluated: 2023-12-21. Review status: criteria provided, single submitter. Criteria: Ambry Variant Classification Scheme 2023. Collection method: clinical testing. Allele origin: germline.
Comment: The p.D61H variant (also known as c.181G>C), located in coding exon 1 of the BUB3 gene, results from a G to C substitution at nucleotide position 181. The aspartic acid at codon 61 is replaced by histidine, an amino acid with similar properties. This amino acid position is conserved. In addition, this alteration is predicted to be deleterious by in silico analysis. Since supporting evidence is limited at this time, the clinical significance of this alteration remains unclear.